The following is an entry in ClinVar:

ClinVar aggregate classification (germline): Uncertain significance. Review status: criteria provided, multiple submitters, no conflicts (2 of 4 stars). 2 submissions from 2 submitters: Uncertain significance (2). Last evaluated 2024-09-25.

Conditions:
Autosomal dominant nonsyndromic hearing loss 20. Identifiers: Orphanet 90635, MedGen C1858172, MONDO:0011480, OMIM 604717.
Baraitser-winter syndrome 2. Identifiers: Orphanet 2995, MedGen C3281235, MONDO:0013812, OMIM 614583.

Submissions (2):

Labcorp Genetics (formerly Invitae), Labcorp
Classification: Uncertain significance for Baraitser-winter syndrome 2; Autosomal dominant nonsyndromic hearing loss 20. Last evaluated: 2024-09-25. Review status: criteria provided, single submitter. Criteria: Invitae Variant Classification Sherloc (09022015). Collection method: clinical testing. Allele origin: germline.
Comment: This sequence change replaces methionine, which is neutral and non-polar, with valine, which is neutral and non-polar, at codon 269 of the ACTG1 protein (p.Met269Val). This variant is not present in population databases (gnomAD no frequency). This variant has not been reported in the literature in individuals affected with ACTG1-related conditions. ClinVar contains an entry for this variant (Variation ID: 1312901). An algorithm developed to predict the effect of missense changes on protein structure and function (PolyPhen-2) suggests that this variant is likely to be tolerated. In summary, the available evidence is currently insufficient to determine the role of this variant in disease. Therefore, it has been classified as a Variant of Uncertain Significance.

GeneDx
Classification: Uncertain significance. Last evaluated: 2020-06-30. Review status: criteria provided, single submitter. Criteria: GeneDx Variant Classification Process June 2021. Collection method: clinical testing. Allele origin: germline. Affected: yes.
Comment: Not observed in large population cohorts (Lek et al., 2016); Missense variants in this gene are often considered pathogenic (Stenson et al., 2014); In silico analysis supports that this missense variant does not alter protein structure/function; Has not been previously published as pathogenic or benign to our knowledge

NM_001614.5(ACTG1):c.805A>G (p.Met269Val)

Gene: ACTG1 (actin gamma 1; minus strand). Cytogenetic location: 17q25.3.
Variant type: single nucleotide variant.
Coding change: c.805A>G on transcript NM_001614.5 (MANE Select); coding-DNA position 805, A replaced by G.
Protein change: p.Met269Val; replaces methionine 269 with valine.
Molecular consequence: missense variant. On other transcripts: non-coding transcript variant (1).
Genome position (GRCh38, 1-based): chr17:81,511,106, T>C on the plus strand (A>G on the coding strand, the complement: ACTG1 is on the minus strand). VCF-style: chr17-81511106-T-C. GRCh37 (hg19) VCF-style: chr17-79478132-T-C.
Other names: c.805A>G, p.Met269Val (NM_001199954.3); short protein forms M269V.
Identifiers: ClinVar variation 1312901 (VCV001312901.4), dbSNP rs2143775987, ClinGen allele CA401459531.